The following is an entry in ClinVar:

NM_002232.5(KCNA3):c.1585T>G (p.Tyr529Asp)

Gene: KCNA3 (potassium voltage-gated channel subfamily A member 3; minus strand). Cytogenetic location: 1p13.3.
Variant type: single nucleotide variant.
Coding change: c.1585T>G on transcript NM_002232.5 (MANE Select); coding-DNA position 1585, T replaced by G.
Protein change: p.Tyr529Asp; replaces tyrosine 529 with aspartic acid.
Molecular consequence: missense variant.
Genome position (GRCh38, 1-based): chr1:110,673,225, A>C on the plus strand (T>G on the coding strand, the complement: KCNA3 is on the minus strand). VCF-style: chr1-110673225-A-C. GRCh37 (hg19) VCF-style: chr1-111215847-A-C.
Other names: short protein forms Y529D.
Identifiers: ClinVar variation 4538926 (VCV004538926.1).

ClinVar aggregate classification (germline): Uncertain significance (1 of 4 stars; one submission).

Submission:

GeneDx
Classification: Uncertain significance. Last evaluated: 2025-06-18. Review status: criteria provided, single submitter. Criteria: GeneDx Variant Classification Process June 2021. Collection method: clinical testing. Allele origin: germline. Affected: yes.
Comment: Not observed at significant frequency in large population cohorts (gnomAD); In silico analysis supports that this missense variant has a deleterious effect on protein structure/function; Has not been previously published as pathogenic or benign to our knowledge